The following is an entry in ClinVar:

NM_000245.4(MET):c.2200A>G (p.Ser734Gly)

Gene: MET (MET proto-oncogene, receptor tyrosine kinase; plus strand). Cytogenetic location: 7q31.2.
Variant type: single nucleotide variant.
Coding change: c.2200A>G on transcript NM_000245.4 (MANE Select); coding-DNA position 2200, A replaced by G.
Protein change: p.Ser734Gly; replaces serine 734 with glycine.
Molecular consequence: missense variant.
Genome position (GRCh38, 1-based): chr7:116,758,556, A>G. VCF-style: chr7-116758556-A-G. GRCh37 (hg19) VCF-style: chr7-116398610-A-G.
Other names: c.2200A>G, p.Ser734Gly (NM_001127500.3, NM_001324401.3); c.910A>G, p.Ser304Gly (NM_001324402.2); short protein forms S734G, S304G.
Identifiers: ClinVar variation 949464 (VCV000949464.9), dbSNP rs754228039, ClinGen allele CA368980698.

ClinVar aggregate classification (germline): Uncertain significance (1 of 4 stars; one submission).

Conditions:
Renal cell carcinoma. Identifiers: Orphanet 217071, MedGen C0007134, MeSH D002292, MONDO:0005086, HP:0005584.

Submission:

Labcorp Genetics (formerly Invitae), Labcorp
Classification: Uncertain significance for Renal cell carcinoma. Last evaluated: 2023-10-03. Review status: criteria provided, single submitter. Criteria: Invitae Variant Classification Sherloc (09022015). Collection method: clinical testing. Allele origin: germline.
Comment: This sequence change replaces serine, which is neutral and polar, with glycine, which is neutral and non-polar, at codon 734 of the MET protein (p.Ser734Gly). This variant is not present in population databases (gnomAD no frequency). This variant has not been reported in the literature in individuals affected with MET-related conditions. ClinVar contains an entry for this variant (Variation ID: 949464). Advanced modeling of protein sequence and biophysical properties (such as structural, functional, and spatial information, amino acid conservation, physicochemical variation, residue mobility, and thermodynamic stability) performed at Invitae indicates that this missense variant is not expected to disrupt MET protein function. In summary, the available evidence is currently insufficient to determine the role of this variant in disease. Therefore, it has been classified as a Variant of Uncertain Significance.